The following is an entry in ClinVar:

ClinVar aggregate classification (germline): Uncertain significance (1 of 4 stars; one submission).

Submission:

GeneDx
Classification: Uncertain significance. Last evaluated: 2025-07-02. Review status: criteria provided, single submitter. Criteria: GeneDx Variant Classification Process June 2021. Collection method: clinical testing. Allele origin: germline. Affected: yes.
Comment: Not observed at significant frequency in large population cohorts (gnomAD); In silico analysis supports that this missense variant has a deleterious effect on protein structure/function; Has not been previously published as pathogenic or benign to our knowledge

NM_004423.4(DVL3):c.908A>C (p.Asn303Thr)

Gene: DVL3 (dishevelled segment polarity protein 3; plus strand). Cytogenetic location: 3q27.1.
Variant type: single nucleotide variant.
Coding change: c.908A>C on transcript NM_004423.4 (MANE Select); coding-DNA position 908, A replaced by C.
Protein change: p.Asn303Thr; replaces asparagine 303 with threonine.
Molecular consequence: missense variant.
Genome position (GRCh38, 1-based): chr3:184,166,450, A>C. VCF-style: chr3-184166450-A-C. GRCh37 (hg19) VCF-style: chr3-183884238-A-C.
Other names: short protein forms N303T.
Identifiers: ClinVar variation 4681119 (VCV004681119.1).